The following is an entry in ClinVar:

NM_004946.3(DOCK2):c.149dup (p.His52fs)

Gene: DOCK2 (dedicator of cytokinesis 2; plus strand). Cytogenetic location: 5q35.1.
Variant type: Duplication.
Coding change: c.149dup on transcript NM_004946.3 (MANE Select); coding-DNA position 149, one base duplicated (T; older notation c.149dupT).
Protein change: p.His52fs; shifts the reading frame from histidine 52.
Molecular consequence: frameshift variant. On other transcripts: non-coding transcript variant (1).
Genome position (GRCh38, 1-based): chr5:169,669,309, T duplicated. VCF-style (leftmost placement, unchanged base first): chr5-169669308-A-AT. GRCh37 (hg19) VCF-style: chr5-169096312-A-AT.
Other names: short protein forms H52fs.
Identifiers: ClinVar variation 1454578 (VCV001454578.6), dbSNP rs2113279864, ClinGen allele CA2573139365.

ClinVar aggregate classification (germline): Pathogenic (1 of 4 stars; one submission).

Conditions:
DOCK2 deficiency. Also called: Immunodeficiency 40. Identifiers: Orphanet 447737, MedGen C4225328, MONDO:0014637, OMIM 616433.

Submission:

Labcorp Genetics (formerly Invitae), Labcorp
Classification: Pathogenic for DOCK2 deficiency. Last evaluated: 2022-02-19. Review status: criteria provided, single submitter. Criteria: Invitae Variant Classification Sherloc (09022015). Collection method: clinical testing. Allele origin: germline.
Comment: For these reasons, this variant has been classified as Pathogenic. This variant has not been reported in the literature in individuals affected with DOCK2-related conditions. This variant is not present in population databases (gnomAD no frequency). This sequence change creates a premature translational stop signal (p.His52Alafs*10) in the DOCK2 gene. It is expected to result in an absent or disrupted protein product. Loss-of-function variants in DOCK2 are known to be pathogenic (PMID: 26083206).

Literature cited by the submitters: PubMed 26083206.